The following is an entry in ClinVar:

ClinVar aggregate classification (germline): Likely benign. Review status: criteria provided, multiple submitters, no conflicts (2 of 4 stars). 2 submissions from 2 submitters: Likely benign (2). Last evaluated 2024-05-15.

Conditions:
Myofibrillar myopathy 4. Also called: Zaspopathy (type). Identifiers: Orphanet 98912, MedGen C4721886, MONDO:0012277, OMIM 609452.

gnomAD v4.1: 9 of 1,607,720 alleles (0.00056%); highest among the groups gnomAD compares: Non-Finnish European, 0.00034%; no homozygotes.

Submissions (2):

Labcorp Genetics (formerly Invitae), Labcorp
Classification: Likely benign for Myofibrillar myopathy 4. Last evaluated: 2024-05-15. Review status: criteria provided, single submitter. Criteria: Invitae Variant Classification Sherloc (09022015). Collection method: clinical testing. Allele origin: germline.

GeneDx
Classification: Likely benign. Last evaluated: 2017-11-17. Review status: criteria provided, single submitter. Criteria: GeneDx Variant Classification (06012015). Collection method: clinical testing. Allele origin: germline. Affected: yes.
Comment: This variant is considered likely benign or benign based on one or more of the following criteria: it is a conservative change, it occurs at a poorly conserved position in the protein, it is predicted to be benign by multiple in silico algorithms, and/or has population frequency not consistent with disease.

NM_007078.3(LDB3):c.93+10C>A

Gene: LDB3 (LIM domain binding 3; plus strand). Cytogenetic location: 10q23.2.
Variant type: single nucleotide variant.
Coding change: c.93+10C>A on transcript NM_007078.3 (MANE Select); 10 bases into the intron after coding-DNA position 93, C replaced by A.
Molecular consequence: intron variant.
Genome position (GRCh38, 1-based): chr10:86,668,794, C>A. VCF-style: chr10-86668794-C-A. GRCh37 (hg19) VCF-style: chr10-88428551-C-A.
Other names: c.93+10C>A (NM_001368064.1, NM_001368063.1, NM_001368068.1 and 8 more transcripts).
Identifiers: ClinVar variation 513451 (VCV000513451.4), dbSNP rs1222755412, ClinGen allele CA594894259.